The following is an entry in ClinVar:

ClinVar aggregate classification (germline): Uncertain significance (1 of 4 stars; one submission).

Conditions:
Jeune thoracic dystrophy. Also called: Short-rib thoracic dysplasia; Infantile thoracic dystrophy; Thoracic pelvic phalangeal dystrophy; Jeune's syndrome; Chondroectodermal dysplasia-like syndrome; Jeune syndrome. Identifiers: Orphanet 474, MedGen C0265275, MONDO:0018770.

Allele frequency attached by ClinVar (database versions not stated): gnomAD 0.00001.
gnomAD v4.1: 1 of 1,612,894 alleles (0.000062%); highest among the groups gnomAD compares: Admixed American, 0.0017%; no homozygotes.

Submission:

Labcorp Genetics (formerly Invitae), Labcorp
Classification: Uncertain significance for Jeune thoracic dystrophy. Last evaluated: 2021-08-24. Review status: criteria provided, single submitter. Criteria: Invitae Variant Classification Sherloc (09022015). Collection method: clinical testing. Allele origin: germline.
Comment: In summary, the available evidence is currently insufficient to determine the role of this variant in disease. Therefore, it has been classified as a Variant of Uncertain Significance. Advanced modeling of protein sequence and biophysical properties (such as structural, functional, and spatial information, amino acid conservation, physicochemical variation, residue mobility, and thermodynamic stability) performed at Invitae indicates that this missense variant is not expected to disrupt DYNC2H1 protein function. This variant has not been reported in the literature in individuals affected with DYNC2H1-related conditions. This variant is not present in population databases (ExAC no frequency). This sequence change replaces serine with asparagine at codon 2100 of the DYNC2H1 protein (p.Ser2100Asn). The serine residue is highly conserved and there is a small physicochemical difference between serine and asparagine.

NM_001377.3(DYNC2H1):c.6299G>A (p.Ser2100Asn)

Gene: DYNC2H1 (dynein cytoplasmic 2 heavy chain 1; plus strand). Cytogenetic location: 11q22.3.
Variant type: single nucleotide variant.
Coding change: c.6299G>A on transcript NM_001377.3 (MANE Select); coding-DNA position 6299, G replaced by A.
Protein change: p.Ser2100Asn; replaces serine 2100 with asparagine.
Molecular consequence: missense variant.
Genome position (GRCh38, 1-based): chr11:103,179,185, G>A. VCF-style: chr11-103179185-G-A. GRCh37 (hg19) VCF-style: chr11-103049914-G-A.
Other names: c.6299G>A, p.Ser2100Asn (NM_001080463.2); short protein forms S2100N.
Identifiers: ClinVar variation 1411890 (VCV001411890.6), dbSNP rs780161589, ClinGen allele CA382247457.